The following is an entry in ClinVar:

NM_033305.3(VPS13A):c.4075A>G (p.Thr1359Ala)

Gene: VPS13A (vacuolar protein sorting 13 homolog A; plus strand). Cytogenetic location: 9q21.2.
Variant type: single nucleotide variant.
Coding change: c.4075A>G on transcript NM_033305.3 (MANE Select); coding-DNA position 4075, A replaced by G.
Protein change: p.Thr1359Ala; replaces threonine 1359 with alanine.
Molecular consequence: missense variant.
Genome position (GRCh38, 1-based): chr9:77,308,059, A>G. VCF-style: chr9-77308059-A-G. GRCh37 (hg19) VCF-style: chr9-79922975-A-G.
Other names: p.Thr1359Ala; c.3958A>G, p.Thr1320Ala (NM_001018037.2); c.4075A>G, p.Thr1359Ala (NM_001018038.3, NM_015186.4); short protein forms T1320A, T1359A.
Identifiers: ClinVar variation 3379874 (VCV003379874.1).

ClinVar aggregate classification (germline): Uncertain significance (1 of 4 stars; one submission).

gnomAD v4.1: 7 of 1,614,006 alleles (0.00043%); highest among the groups gnomAD compares: Admixed American, 0.0083%; no homozygotes.

Submission:

Mayo Clinic Laboratories, Mayo Clinic
Classification: Uncertain significance. Last evaluated: 2024-09-24. Review status: criteria provided, single submitter. Criteria: ACMG Guidelines, 2015. Collection method: clinical testing. Allele origin: germline. Observed: 1 variant allele.
Comment: BP4